The following is an entry in ClinVar:

ClinVar aggregate classification (germline): Uncertain significance (1 of 4 stars; one submission).

Conditions:
Hereditary cancer-predisposing syndrome. Also called: Tumor predisposition; Hereditary neoplastic syndrome; Hereditary Cancer Syndrome; Neoplastic Syndromes, Hereditary. Identifiers: Orphanet 140162, MedGen C0027672, MeSH D009386, MONDO:0015356.

Submission:

Labcorp Genetics (formerly Invitae), Labcorp
Classification: Uncertain significance for Hereditary cancer-predisposing syndrome. Last evaluated: 2024-02-23. Review status: criteria provided, single submitter. Criteria: Invitae Variant Classification Sherloc (09022015). Collection method: clinical testing. Allele origin: germline.
Comment: This variant, c.3109_3111del, results in the deletion of 1 amino acid(s) of the RAD50 protein (p.Glu1037del), but otherwise preserves the integrity of the reading frame. This variant is not present in population databases (gnomAD no frequency). This variant has been observed in individual(s) with clinical features of RAD50-related conditions (PMID: 33378670). In at least one individual the data is consistent with being in trans (on the opposite chromosome) from a pathogenic variant. ClinVar contains an entry for this variant (Variation ID: 576032). Algorithms developed to predict the effect of variants on protein structure and function are not available or were not evaluated for this variant. Experimental studies have shown that this variant affects RAD50 function (PMID: 33378670). In summary, the available evidence is currently insufficient to determine the role of this variant in disease. Therefore, it has been classified as a Variant of Uncertain Significance.

Literature cited by the submitters: PubMed 33378670.

NM_005732.4(RAD50):c.3103GAA[2] (p.Glu1037del)

Gene: RAD50 (RAD50 double strand break repair protein; plus strand). Cytogenetic location: 5q31.1.
Variant type: Microsatellite.
Coding change: c.3103GAA[2] on transcript NM_005732.4 (MANE Select); two copies in a row of the 3-base unit GAA starting at c.3103; the reference has three copies in a row; one copy, 3 bases deleted.
Protein change: p.Glu1037del; deletes glutamic acid 1037.
Molecular consequence: inframe deletion.
Genome position (GRCh38, 1-based): chr5:132,616,075-132,616,077, GAA deleted; deleting any 3 consecutive bases within chr5:132,616,069-132,616,077 gives the same sequence; the position shown is the placement nearest the transcript's 3' end. VCF-style (leftmost placement, unchanged base first): chr5-132616068-TGAA-T. GRCh37 (hg19) VCF-style: chr5-131951760-TGAA-T.
Other names: short protein forms E1037del.
Identifiers: ClinVar variation 576032 (VCV000576032.9), dbSNP rs1561650090, ClinGen allele CA891842972.